The following is an entry in ClinVar:

ClinVar aggregate classification (germline): Uncertain significance (1 of 4 stars; one submission).

Allele frequency attached by ClinVar (database versions not stated): gnomAD exomes 0.00001 and 0.00002; TOPMed 0.00001; ExAC 0.00002.
gnomAD v4.1: 19 of 1,613,760 alleles (0.0012%); highest among the groups gnomAD compares: East Asian, 0.011%; no homozygotes.

Submission:

Labcorp Genetics (formerly Invitae), Labcorp
Classification: Uncertain significance. Last evaluated: 2021-04-28. Review status: criteria provided, single submitter. Criteria: Invitae Variant Classification Sherloc (09022015). Collection method: clinical testing. Allele origin: germline.
Comment: This sequence change replaces valine with isoleucine at codon 476 of the CCDC88A protein (p.Val476Ile). The valine residue is moderately conserved and there is a small physicochemical difference between valine and isoleucine. This variant is present in population databases (rs753302907, ExAC 0.04%). This variant has not been reported in the literature in individuals with CCDC88A-related conditions. Algorithms developed to predict the effect of missense changes on protein structure and function (SIFT, PolyPhen-2, Align-GVGD) all suggest that this variant is likely to be tolerated, but these predictions have not been confirmed by published functional studies and their clinical significance is uncertain. In summary, the available evidence is currently insufficient to determine the role of this variant in disease. Therefore, it has been classified as a Variant of Uncertain Significance.

NM_001365480.1(CCDC88A):c.1426G>A (p.Val476Ile)

Gene: CCDC88A (coiled-coil and HOOK domain protein 88A; minus strand). Cytogenetic location: 2p16.1.
Variant type: single nucleotide variant.
Coding change: c.1426G>A on transcript NM_001365480.1 (MANE Select); coding-DNA position 1426, G replaced by A.
Protein change: p.Val476Ile; replaces valine 476 with isoleucine.
Molecular consequence: missense variant.
Genome position (GRCh38, 1-based): chr2:55,339,556, C>T on the plus strand (G>A on the coding strand, the complement: CCDC88A is on the minus strand). VCF-style: chr2-55339556-C-T. GRCh37 (hg19) VCF-style: chr2-55566692-C-T.
Other names: c.1426G>A, p.Val476Ile (NM_001135597.2, NM_001254943.2, NM_018084.5); short protein forms V476I.
Identifiers: ClinVar variation 1473278 (VCV001473278.8), dbSNP rs753302907, ClinGen allele CA1666151.